The following is an entry in ClinVar:

NM_000122.2(ERCC3):c.1008G>A (p.Gly336=)

Gene: ERCC3 (ERCC excision repair 3, TFIIH core complex helicase subunit; minus strand). Cytogenetic location: 2q14.3.
Variant type: single nucleotide variant.
Coding change: c.1008G>A on transcript NM_000122.2 (MANE Select); coding-DNA position 1008, G replaced by A.
Protein change: p.Gly336=; no amino-acid change (glycine 336 retained).
Molecular consequence: synonymous variant.
Genome position (GRCh38, 1-based): chr2:127,288,679, C>T on the plus strand (G>A on the coding strand, the complement: ERCC3 is on the minus strand). VCF-style: chr2-127288679-C-T. GRCh37 (hg19) VCF-style: chr2-128046255-C-T.
Other names: c.816G>A, p.Gly272= (NM_001303416.2, NM_001303418.2).
Identifiers: ClinVar variation 695452 (VCV000695452.16), dbSNP rs115924997, ClinGen allele CA1858387.
Genomic context (GRCh38, chr2:127,288,679, plus strand): 5'-CACAACAGCCTGACCACCTTCTTAACTCTGGTACCACTTACCGCAGGGAAGAACAATGAC[C>T]CCCGAACGTGCACGCCCGTTTCCAAACATCTTTCGCAAGCTCTTCTCCTGATAGGGTCTG-3'
Protein context (NP_000113.1, residues 326-346): KMFGNGRARS[Gly336=]VIVLPCGAGK

ClinVar aggregate classification (germline): Benign/Likely benign. Review status: criteria provided, multiple submitters, no conflicts (2 of 4 stars). 5 submissions from 5 submitters: Benign (2); Likely benign (3). Last evaluated 2026-07-01.

Conditions:
Xeroderma pigmentosum (XP). Identifiers: Orphanet 910, MedGen C0043346, MONDO:0019600.

Allele frequency attached by ClinVar (database versions not stated): gnomAD exomes 0.00024 and 0.00065; ExAC 0.00067; ESP Exome Variant Server 0.00200; gnomAD 0.00229 and 0.00248; TOPMed 0.00288; 1000 Genomes Project 0.00379; 1000 Genomes Project 30x 0.00390.
gnomAD v4.1: 731 of 1,614,092 alleles (0.045%); highest among the groups gnomAD compares: African/African-American, 0.82%; 9 homozygotes.

Submissions (5):

CeGaT Center for Human Genetics Tuebingen
Classification: Likely benign. Last evaluated: 2026-07-01. Review status: criteria provided, single submitter. Criteria: CeGaT Center For Human Genetics Tuebingen Variant Classification Criteria Version 2. Collection method: clinical testing. Allele origin: germline. Affected: yes. Observed: 1 variant allele.
Comment: ERCC3: BP4, BP7

Labcorp Genetics (formerly Invitae), Labcorp
Classification: Benign. Last evaluated: 2026-01-28. Review status: criteria provided, single submitter. Criteria: Invitae Variant Classification Sherloc (09022015). Collection method: clinical testing. Allele origin: germline.

Blueprint Genetics
Classification: Likely benign. Last evaluated: 2024-10-23. Review status: criteria provided, single submitter. Criteria: ACMG Guidelines, 2015. Collection method: clinical testing. Allele origin: germline.

Sema4
Classification: Likely benign for Xeroderma pigmentosum. Last evaluated: 2021-05-29. Review status: criteria provided, single submitter. Criteria: Sema4 Curation Guidelines. Collection method: curation. Allele origin: germline.

Breakthrough Genomics
Classification: Benign. Review status: criteria provided, single submitter. Criteria: ACMG Guidelines, 2015. Collection method: not provided. Allele origin: germline. Inheritance: Autosomal recessive inheritance. Affected: yes.